The following is an entry in ClinVar:

ClinVar aggregate classification (germline): Pathogenic (1 of 4 stars; one submission).

Submission:

Centre of Medical Genetics, University Hospital Muenster
Classification: Pathogenic. Last evaluated: 2024-10-01. Review status: criteria provided, single submitter. Criteria: ACMG Guidelines, 2015. Collection method: clinical testing. Allele origin: unknown. Affected: yes. Observed: 1 variant allele, 1 homozygote.
Comment: ACMG categories: PVS1,PM2

NM_000507.4(FBP1):c.200dup (p.Gly68fs)

Gene: FBP1 (fructose-bisphosphatase 1; minus strand). Cytogenetic location: 9q22.32.
Variant type: Duplication.
Coding change: c.200dup on transcript NM_000507.4 (MANE Select); coding-DNA position 200, one base duplicated (C; older notation c.200dupC).
Protein change: p.Gly68fs; shifts the reading frame from glycine 68.
Molecular consequence: frameshift variant.
Genome position (GRCh38, 1-based): chr9:94,620,462, G duplicated on the plus strand (C on the coding strand, the reverse complement: FBP1 is on the minus strand). VCF-style (leftmost placement, unchanged base first): chr9-94620461-T-TG. GRCh37 (hg19) VCF-style: chr9-97382743-T-TG.
Other names: c.200dup, p.Gly68fs (NM_001127628.2); short protein forms G68fs.
Identifiers: ClinVar variation 3383389 (VCV003383389.2).